The following is an entry in ClinVar:

ClinVar aggregate classification (germline): Uncertain significance (1 of 4 stars; one submission).

Conditions:
Hypertrophic cardiomyopathy 1 (CMH1). Also called: Familial hypertrophic cardiomyopathy 1; MYH7-Related Familial Hypertrophic Cardiomyopathy. Identifiers: MedGen C3495498, MONDO:0008647, OMIM 192600.

Submission:

Victorian Clinical Genetics Services, Murdoch Childrens Research Institute
Classification: Uncertain significance for Hypertrophic cardiomyopathy 1. Last evaluated: 2023-07-17. Review status: criteria provided, single submitter. Criteria: ACMG Guidelines, 2015. Collection method: clinical testing. Allele origin: germline. Inheritance: Autosomal dominant inheritance. Affected: yes.
Comment: Based on the classification scheme VCGS_Germline_v1.3.4, this variant is classified as VUS-3A Following criteria are met: 0105 - The mechanism of disease for this gene is not clearly established; however, missense variants have been proposed to act in a dominant negative manner (PMID: 24714796). (I) 0108 - This gene is associated with both recessive and dominant disease. Pathogenic variants in this gene are usually heterozygous; however, a recessive inheritance pattern has been observed in severe cases (OMIM). (I) 0112 - The condition associated with this gene has incomplete penetrance (PMID: 29300372). (I) 0200 - Variant is predicted to result in a missense amino acid change from proline to histidine. (I) 0251 - This variant is heterozygous. (I) 0301 - Variant is absent from gnomAD (both v2 and v3). (SP) 0501 - Missense variant consistently predicted to be damaging by multiple in silico tools and very highly conserved with a moderate amino acid change. (SP) 0602 - Variant is located in a hotspot region or cluster of pathogenic variants. This variant is found within the head region, which is enriched with pathogenic missense variants (PMID: 29300372). (SP) 0708 - Other missense variants comparable to the one identified in this case have conflicting previous evidence for pathogenicity. The p.(Pro527Ser) and p.(Pro527Thr) variants have been classified as VUS (ClinVar, Atlas of Cardiac Genetic Variation). (I) 0807 - This variant has no previous evidence of pathogenicity. (I) 0905 - No published segregation evidence has been identified for this variant. (I) 1007 - No published functional evidence has been identified for this variant. (I) Legend: (SP) - Supporting pathogenic, (I) - Information, (SB) - Supporting benign

Literature cited by the submitters: PubMed 24714796; PubMed 28771489; PubMed 29300372.

NM_000257.4(MYH7):c.1580C>A (p.Pro527His)

Gene: MYH7 (myosin heavy chain 7; minus strand). Cytogenetic location: 14q11.2.
Variant type: single nucleotide variant.
Coding change: c.1580C>A on transcript NM_000257.4 (MANE Select); coding-DNA position 1580, C replaced by A.
Protein change: p.Pro527His; replaces proline 527 with histidine.
Molecular consequence: missense variant.
Genome position (GRCh38, 1-based): chr14:23,427,893, G>T on the plus strand (C>A on the coding strand, the complement: MYH7 is on the minus strand). VCF-style: chr14-23427893-G-T. GRCh37 (hg19) VCF-style: chr14-23897102-G-T.
Other names: c.1580C>A, p.Pro527His (NM_001407004.1); short protein forms P527H.
Identifiers: ClinVar variation 3376762 (VCV003376762.1).
Genomic context (GRCh38, chr14:23,427,893, plus strand): 5'-GTCATGTCGGTGGCCTTGGGGAACATGCACTCCTCTTCCAGGATGGACATGATGCCCATG[G>T]GCTGAGGAAGCAGGAGAGAGCATCACTGAGTGTCCTTCACACAGGTGGACATGGATTCTG-3'
Protein context (NP_000248.2, residues 517-537): LQACIDLIEK[Pro527His]MGIMSILEEE